The following is an entry in ClinVar:

NM_000587.4(C7):c.2110C>T (p.Arg704Cys)

Gene: C7 (complement C7; plus strand). Cytogenetic location: 5p13.1.
Variant type: single nucleotide variant.
Coding change: c.2110C>T on transcript NM_000587.4 (MANE Select); coding-DNA position 2110, C replaced by T.
Protein change: p.Arg704Cys; replaces arginine 704 with cysteine.
Molecular consequence: missense variant.
Genome position (GRCh38, 1-based): chr5:40,976,785, C>T. VCF-style: chr5-40976785-C-T. GRCh37 (hg19) VCF-style: chr5-40976887-C-T.
Other names: short protein forms R704C.
Identifiers: ClinVar variation 3625733 (VCV003625733.3).

ClinVar aggregate classification (germline): Uncertain significance. Review status: criteria provided, multiple submitters, no conflicts (2 of 4 stars). 2 submissions from 2 submitters: Uncertain significance (2). Last evaluated 2025-08-20.

Conditions:
Inborn genetic diseases. Identifiers: MedGen C0950123, MeSH D030342.

Submissions (2):

Ambry Genetics
Classification: Uncertain significance for Inborn genetic diseases. Last evaluated: 2025-08-20. Review status: criteria provided, single submitter. Criteria: Ambry Variant Classification Scheme 2023. Collection method: clinical testing. Allele origin: germline.

Labcorp Genetics (formerly Invitae), Labcorp
Classification: Uncertain significance. Last evaluated: 2024-12-12. Review status: criteria provided, single submitter. Criteria: Invitae Variant Classification Sherloc (09022015). Collection method: clinical testing. Allele origin: germline.
Comment: This sequence change replaces arginine, which is basic and polar, with cysteine, which is neutral and slightly polar, at codon 704 of the C7 protein (p.Arg704Cys). The frequency data for this variant in the population databases is considered unreliable, as metrics indicate poor data quality at this position in the gnomAD database. This variant has not been reported in the literature in individuals affected with C7-related conditions. Invitae Evidence Modeling of protein sequence and biophysical properties (such as structural, functional, and spatial information, amino acid conservation, physicochemical variation, residue mobility, and thermodynamic stability) indicates that this missense variant is not expected to disrupt C7 protein function with a negative predictive value of 80%. In summary, the available evidence is currently insufficient to determine the role of this variant in disease. Therefore, it has been classified as a Variant of Uncertain Significance.